The following is an entry in ClinVar:

NM_000540.3(RYR1):c.9886C>G (p.Leu3296Val)

Gene: RYR1 (ryanodine receptor 1; plus strand). Cytogenetic location: 19q13.2.
Variant type: single nucleotide variant.
Coding change: c.9886C>G on transcript NM_000540.3 (MANE Select); coding-DNA position 9886, C replaced by G.
Protein change: p.Leu3296Val; replaces leucine 3296 with valine.
Molecular consequence: missense variant.
Genome position (GRCh38, 1-based): chr19:38,517,559, C>G. VCF-style: chr19-38517559-C-G. GRCh37 (hg19) VCF-style: chr19-39008199-C-G.
Other names: c.9886C>G, p.Leu3296Val (NM_001042723.2); short protein forms L3296V.
Identifiers: ClinVar variation 544429 (VCV000544429.16), dbSNP rs368433841, ClinGen allele CA074279.

ClinVar aggregate classification (germline): Conflicting classifications of pathogenicity. Review status: criteria provided, conflicting classifications (1 of 4 stars). 5 submissions from 5 submitters: Uncertain significance (2); Likely benign (3). Last evaluated 2025-10-01.

Conditions:
RYR1-related disorder. Also called: RYR1-related condition; RYR1-related disorders. Identifiers: MedGen CN239331.
Inborn genetic diseases. Identifiers: MedGen C0950123, MeSH D030342.
Malignant hyperthermia, susceptibility to, 1 (MHS1). Also called: RYR1-Related Malignant Hyperthermia Susceptibility; Anesthesia related hyperthermia; Malignant hyperpyrexia; Fulminating hyperpyrexia; Pharmacogenic myopathy; Malignant hyperthermia suceptibility 1. Identifiers: Orphanet 423, MedGen C2930980, MONDO:0007783, OMIM 145600.

Allele frequency attached by ClinVar (database versions not stated): gnomAD exomes 0.00002 and 0.00006; ExAC 0.00007; ESP Exome Variant Server 0.00008; 1000 Genomes Project 30x 0.00016; gnomAD 0.00018 and 0.00019; 1000 Genomes Project 0.00020; TOPMed 0.00027.
gnomAD v4.1: 57 of 1,613,850 alleles (0.0035%); highest among the groups gnomAD compares: African/African-American, 0.073%; no homozygotes.

Submissions (5):

Labcorp Genetics (formerly Invitae), Labcorp
Classification: Likely benign for RYR1-related disorder. Last evaluated: 2025-10-01. Review status: criteria provided, single submitter. Criteria: Invitae Variant Classification Sherloc (09022015). Collection method: clinical testing. Allele origin: germline.

Ambry Genetics
Classification: Uncertain significance for Inborn genetic diseases. Last evaluated: 2025-04-08. Review status: criteria provided, single submitter. Criteria: Ambry Variant Classification Scheme 2023. Collection method: clinical testing. Allele origin: germline.

All of Us Research Program, National Institutes of Health
Classification: Likely benign for Malignant hyperthermia, susceptibility to, 1. Last evaluated: 2024-02-05. Review status: criteria provided, single submitter. Criteria: ACMG Guidelines, 2015. Collection method: clinical testing. Allele origin: germline. Inheritance: Autosomal dominant inheritance. Observed: 10 variant alleles, 10 heterozygotes.
Comment: This study involves interpretation of variants in research participants for the purpose of population health screening. Participant phenotype was not available at the time of variant classification. Additional details can be found in publication PMID: 35346344, PMCID: PMC8962531

Color Diagnostics, LLC DBA Color Health
Classification: Likely benign for Malignant hyperthermia, susceptibility to, 1. Last evaluated: 2023-04-28. Review status: criteria provided, single submitter. Criteria: ACMG Guidelines, 2015. Collection method: clinical testing. Allele origin: germline.

GeneDx
Classification: Uncertain significance. Last evaluated: 2019-05-24. Review status: criteria provided, single submitter. Criteria: GeneDx Variant Classification Process June 2021. Collection method: clinical testing. Allele origin: germline. Affected: yes.
Comment: In silico analysis, which includes protein predictors and evolutionary conservation, supports that this variant does not alter protein structure/function; Has not been previously published as pathogenic or benign to our knowledge